The following is an entry in ClinVar:

ClinVar aggregate classification (germline): Uncertain significance. Review status: criteria provided, multiple submitters, no conflicts (2 of 4 stars). 3 submissions from 3 submitters: Uncertain significance (3). Last evaluated 2025-12-30.

Conditions:
Global developmental delay - lung cysts - overgrowth - Wilms tumor syndrome. Also called: GLOW Syndrome; GLOBAL DEVELOPMENTAL DELAY, LUNG CYSTS, OVERGROWTH, AND WILMS TUMOR. Identifiers: Orphanet 404476, MedGen C4748924, MONDO:0018445, OMIM 618272.
DICER1-related tumor predisposition. Also called: DICER1-related pleuropulmonary blastoma cancer predisposition syndrome; DICER1 syndrome. Identifiers: Orphanet 284343, MedGen C3839822, MONDO:0100216.
Hereditary cancer-predisposing syndrome. Also called: Tumor predisposition; Neoplastic Syndromes, Hereditary; Hereditary Cancer Syndrome; Hereditary neoplastic syndrome. Identifiers: Orphanet 140162, MedGen C0027672, MeSH D009386, MONDO:0015356.

Allele frequency attached by ClinVar (database versions not stated): gnomAD exomes below 0.00001; TOPMed below 0.00001; gnomAD 0.00001.

Submissions (3):

Labcorp Genetics (formerly Invitae), Labcorp
Classification: Uncertain significance for DICER1-related tumor predisposition. Last evaluated: 2025-12-30. Review status: criteria provided, single submitter. Criteria: Invitae Variant Classification Sherloc (09022015). Collection method: clinical testing. Allele origin: germline.
Comment: This sequence change replaces histidine, which is basic and polar, with tyrosine, which is neutral and polar, at codon 1652 of the DICER1 protein (p.His1652Tyr). This variant is not present in population databases (gnomAD no frequency). This variant has not been reported in the literature in individuals affected with DICER1-related conditions. ClinVar contains an entry for this variant (Variation ID: 477229). Invitae Evidence Modeling of protein sequence and biophysical properties (such as structural, functional, and spatial information, amino acid conservation, physicochemical variation, residue mobility, and thermodynamic stability) indicates that this missense variant is not expected to disrupt DICER1 protein function with a negative predictive value of 95%. In summary, the available evidence is currently insufficient to determine the role of this variant in disease. Therefore, it has been classified as a Variant of Uncertain Significance.

Baylor Genetics
Classification: Uncertain significance for Global developmental delay - lung cysts - overgrowth - Wilms tumor syndrome. Last evaluated: 2024-01-22. Review status: criteria provided, single submitter. Criteria: ACMG Guidelines, 2015. Collection method: clinical testing. Allele origin: unknown.

Ambry Genetics
Classification: Uncertain significance for Hereditary cancer-predisposing syndrome. Last evaluated: 2023-12-11. Review status: criteria provided, single submitter. Criteria: Ambry Variant Classification Scheme 2023. Collection method: clinical testing. Allele origin: germline.
Comment: The p.H1652Y variant (also known as c.4954C>T), located in coding exon 22 of the DICER1 gene, results from a C to T substitution at nucleotide position 4954. The histidine at codon 1652 is replaced by tyrosine, an amino acid with similar properties. This amino acid position is highly conserved in available vertebrate species. In addition, this alteration is predicted to be deleterious by in silico analysis. Since supporting evidence is limited at this time, the clinical significance of this alteration remains unclear.

NM_177438.3(DICER1):c.4954C>T (p.His1652Tyr)

Gene: DICER1 (dicer 1, ribonuclease III; minus strand). Cytogenetic location: 14q32.13.
Variant type: single nucleotide variant.
Coding change: c.4954C>T on transcript NM_177438.3 (MANE Select); coding-DNA position 4954, C replaced by T.
Protein change: p.His1652Tyr; replaces histidine 1652 with tyrosine.
Molecular consequence: missense variant.
Genome position (GRCh38, 1-based): chr14:95,095,966, G>A on the plus strand (C>T on the coding strand, the complement: DICER1 is on the minus strand). VCF-style: chr14-95095966-G-A. GRCh37 (hg19) VCF-style: chr14-95562303-G-A.
Other names: c.4954C>T, p.His1652Tyr (NM_001195573.1, NM_001271282.3, NM_001291628.2 and 1 more transcripts); short protein forms H1652Y.
Identifiers: ClinVar variation 477229 (VCV000477229.18), dbSNP rs1372597986, ClinGen allele CA390866233.
Genomic context (GRCh38, chr14:95,095,966, plus strand): 5'-TCTTTTCAAAATTTTCAAACCCCGATATAAGGTGATTCAGTGTTTTATCTGCATCTGGAT[G>A]ATCAAACATACATCTTGGTGGAATCTTCAAACAACCATATTCCGAGTCTTTCAATACAGA-3'
Protein context (NP_803187.1, residues 1642-1662): LKIPPRCMFD[His1652Tyr]PDADKTLNHL